The following is an entry in ClinVar:

ClinVar aggregate classification (germline): Benign. Review status: criteria provided, multiple submitters, no conflicts (2 of 4 stars). 2 submissions from 2 submitters: Benign (2). Last evaluated 2018-01-12.

Conditions:
Beta-D-mannosidosis (MANSB). Also called: LYSOSOMAL BETA-MANNOSIDASE DEFICIENCY; Beta-Mannosidosis; MANNOSIDOSIS, BETA A, LYSOSOMAL; BETA-MANNOSIDASE DEFICIENCY. Identifiers: Orphanet 118, MedGen C4048196, MONDO:0009562, OMIM 248510.

Allele frequency attached by ClinVar (database versions not stated): gnomAD exomes 0.51160; 1000 Genomes Project 0.55032; gnomAD 0.55353 and 0.54979; 1000 Genomes Project 30x 0.56059; TOPMed 0.56666.
gnomAD v4.1: 247,078 of 470,540 alleles (53%); highest among the groups gnomAD compares: Admixed American, 64%; 66,160 homozygotes.

Submissions (2):

Illumina Laboratory Services, Illumina
Classification: Benign for Beta-D-mannosidosis. Last evaluated: 2018-01-12. Review status: criteria provided, single submitter. Criteria: ICSL Variant Classification Criteria 13 December 2019. Collection method: clinical testing. Allele origin: germline.
Comment: This variant was observed in the ICSL laboratory as part of a predisposition screen in an ostensibly healthy population. It had not been previously curated by ICSL or reported in the Human Gene Mutation Database (HGMD: prior to June 1st, 2018), and was therefore a candidate for classification through an automated scoring system. Utilizing variant allele frequency, disease prevalence and penetrance estimates, and inheritance mode, an automated score was calculated to assess if this variant is too frequent to cause the disease. Based on the score and internal cut-off values, a variant classified as benign is not then subjected to further curation. The score for this variant resulted in a classification of benign for this disease.

Breakthrough Genomics
Classification: Benign. Review status: criteria provided, single submitter. Criteria: ACMG Guidelines, 2015. Collection method: not provided. Allele origin: germline. Inheritance: Autosomal recessive inheritance. Affected: yes.

NM_005908.4(MANBA):c.*384C>T

Gene: MANBA (mannosidase beta; minus strand). Cytogenetic location: 4q24.
Variant type: single nucleotide variant.
Coding change: c.*384C>T on transcript NM_005908.4 (MANE Select); 384 bases downstream of the stop codon, C replaced by T.
Molecular consequence: 3 prime UTR variant.
Genome position (GRCh38, 1-based): chr4:102,631,673, G>A on the plus strand (C>T on the coding strand, the complement: MANBA is on the minus strand). VCF-style: chr4-102631673-G-A. GRCh37 (hg19) VCF-style: chr4-103552830-G-A.
Identifiers: ClinVar variation 347068 (VCV000347068.6), dbSNP rs4019, ClinGen allele CA10617632.
Genomic context (GRCh38, chr4:102,631,673, plus strand): 5'-CATTCCCTCTGAAATAATAACAAAGCACTTTATTTGAGTATTCCGTATTCCCCAAAGCTA[G>A]CTGTGAAAGACCTACATCACCTCAAAACCTTCCATTTGGTTCCATAGATCCTGCCATGTC-3'